The following is an entry in ClinVar:

NM_020223.4(FAM20C):c.668A>G (p.Tyr223Cys)

Gene: FAM20C (FAM20C golgi associated secretory pathway kinase; plus strand). Cytogenetic location: 7p22.3.
Variant type: single nucleotide variant.
Coding change: c.668A>G on transcript NM_020223.4 (MANE Select); coding-DNA position 668, A replaced by G.
Protein change: p.Tyr223Cys; replaces tyrosine 223 with cysteine.
Molecular consequence: missense variant.
Genome position (GRCh38, 1-based): chr7:195,616, A>G. VCF-style: chr7-195616-A-G. GRCh37 (hg19) VCF-style: chr7-195616-A-G.
Other names: short protein forms Y223C.
Identifiers: ClinVar variation 1519331 (VCV001519331.5), dbSNP rs1035789154, ClinGen allele CA152226709.
Genomic context (GRCh38, chr7:195,616, plus strand): 5'-CGCATGCGGGTGCTGAAGGTGCAGAATTCCTCTCCCCCGGGGAGGCGGCCGTGGACTCCT[A>G]TCCCAACTGGCTCAAGTTCCACATTGGTATCAACCGGTACGAGCTGTACTCCAGACACAA-3'
Protein context (NP_064608.2, residues 213-233): LSPGEAAVDS[Tyr223Cys]PNWLKFHIGI

ClinVar aggregate classification (germline): Uncertain significance (1 of 4 stars; one submission).

Allele frequency attached by ClinVar (database versions not stated): gnomAD 0.00002; TOPMed 0.00002.
gnomAD v4.1: 6 of 1,609,494 alleles (0.00037%); highest among the groups gnomAD compares: African/African-American, 0.0027%; no homozygotes.

Submission:

Labcorp Genetics (formerly Invitae), Labcorp
Classification: Uncertain significance. Last evaluated: 2021-11-29. Review status: criteria provided, single submitter. Criteria: Invitae Variant Classification Sherloc (09022015). Collection method: clinical testing. Allele origin: germline.
Comment: In summary, the available evidence is currently insufficient to determine the role of this variant in disease. Therefore, it has been classified as a Variant of Uncertain Significance. Algorithms developed to predict the effect of missense changes on protein structure and function are either unavailable or do not agree on the potential impact of this missense change (SIFT: "Tolerated"; PolyPhen-2: "Probably Damaging"; Align-GVGD: "Class C0"). This variant has not been reported in the literature in individuals affected with FAM20C-related conditions. This variant is present in population databases (no rsID available, gnomAD 0.01%). This sequence change replaces tyrosine, which is neutral and polar, with cysteine, which is neutral and slightly polar, at codon 223 of the FAM20C protein (p.Tyr223Cys).